The following is an entry in ClinVar:

NM_004385.5(VCAN):c.8993C>T (p.Thr2998Ile)

Genes: VCAN (versican; plus strand), VCAN-AS1 (VCAN antisense RNA 1; minus strand). Cytogenetic location: 5q14.3.
Variant type: single nucleotide variant.
Coding change: c.8993C>T on transcript NM_004385.5 (MANE Select); coding-DNA position 8993, C replaced by T.
Protein change: p.Thr2998Ile; replaces threonine 2998 with isoleucine.
Molecular consequence: missense variant. On other transcripts: intron variant (2).
Genome position (GRCh38, 1-based): chr5:83,541,996, C>T. VCF-style: chr5-83541996-C-T. GRCh37 (hg19) VCF-style: chr5-82837815-C-T.
Other names: c.6032C>T, p.Thr2011Ile (NM_001164097.2); c.4004-3541C>T (NM_001164098.2); c.1043-3541C>T (NM_001126336.3); short protein forms T2011I, T2998I.
Identifiers: ClinVar variation 2794706 (VCV002794706.3), dbSNP rs376468449, ClinGen allele CA121777022.

ClinVar aggregate classification (germline): Uncertain significance (1 of 4 stars; one submission).

gnomAD v4.1: 1 of 1,612,388 alleles (0.000062%); highest among the groups gnomAD compares: African/African-American, 0.0013%; no homozygotes.

Submission:

Labcorp Genetics (formerly Invitae), Labcorp
Classification: Uncertain significance. Last evaluated: 2023-07-07. Review status: criteria provided, single submitter. Criteria: Invitae Variant Classification Sherloc (09022015). Collection method: clinical testing. Allele origin: germline.
Comment: This sequence change replaces threonine, which is neutral and polar, with isoleucine, which is neutral and non-polar, at codon 2998 of the VCAN protein (p.Thr2998Ile). This variant is not present in population databases (gnomAD no frequency). This variant has not been reported in the literature in individuals affected with VCAN-related conditions. An algorithm developed to predict the effect of missense changes on protein structure and function (PolyPhen-2) suggests that this variant is likely to be tolerated. In summary, the available evidence is currently insufficient to determine the role of this variant in disease. Therefore, it has been classified as a Variant of Uncertain Significance.